The following is an entry in ClinVar:

ClinVar aggregate classification (germline): Conflicting classifications of pathogenicity. Review status: criteria provided, conflicting classifications (1 of 4 stars). 9 submissions from 9 submitters: Uncertain significance (1); Benign (2); Likely benign (4). 2 of the submissions do not count toward it. Last evaluated 2026-01-31.

Conditions:
ALK-related disorder. Also called: ALK-related condition.
Hereditary cancer-predisposing syndrome. Also called: Tumor predisposition; Hereditary neoplastic syndrome; Neoplastic Syndromes, Hereditary; Hereditary Cancer Syndrome. Identifiers: Orphanet 140162, MedGen C0027672, MeSH D009386, MONDO:0015356.
Neuroblastoma, susceptibility to, 3. Also called: ALK-Related Neuroblastic Tumor Susceptibility. Identifiers: Orphanet 635, MedGen C2751681, MONDO:0013083, OMIM 613014.

Allele frequency attached by ClinVar (database versions not stated): gnomAD exomes 0.00006 and 0.00007; ExAC 0.00010; 1000 Genomes Project 0.00040; TOPMed 0.00041; ESP Exome Variant Server 0.00046; 1000 Genomes Project 30x 0.00047; gnomAD 0.00050 and 0.00054.
gnomAD v4.1: 178 of 1,608,784 alleles (0.011%); highest among the groups gnomAD compares: African/African-American, 0.12%; no homozygotes.

Submissions (9):

Labcorp Genetics (formerly Invitae), Labcorp
Classification: Likely benign for Neuroblastoma, susceptibility to, 3. Last evaluated: 2026-01-31. Review status: criteria provided, single submitter. Criteria: Invitae Variant Classification Sherloc (09022015). Collection method: clinical testing. Allele origin: germline.

Revvity Omics, Revvity
Classification: Uncertain significance. Last evaluated: 2025-06-06. Review status: criteria provided, single submitter. Criteria: ACMG Guidelines, 2015. Collection method: clinical testing. Allele origin: germline.

ARUP Laboratories, Molecular Genetics and Genomics, ARUP Laboratories
Classification: Likely benign for Neuroblastoma, susceptibility to, 3. Last evaluated: 2025-05-06. Review status: criteria provided, single submitter. Criteria: ARUP Molecular Germline Variant Investigation Process 2024. Collection method: clinical testing. Allele origin: germline.

Ambry Genetics
Classification: Benign for Hereditary cancer-predisposing syndrome. Last evaluated: 2024-06-25. Review status: criteria provided, single submitter. Criteria: Ambry Variant Classification Scheme 2023. Collection method: clinical testing. Allele origin: germline.

GeneDx
Classification: Likely benign. Last evaluated: 2023-07-09. Review status: criteria provided, single submitter. Criteria: GeneDx Variant Classification Process June 2021. Collection method: clinical testing. Allele origin: germline. Affected: yes.
Comment: See Variant Classification Assertion Criteria.

CeGaT Center for Human Genetics Tuebingen
Classification: Benign. Last evaluated: 2022-09-01. Review status: criteria provided, single submitter. Criteria: CeGaT Center For Human Genetics Tuebingen Variant Classification Criteria Version 2. Collection method: clinical testing. Allele origin: germline. Affected: yes. Observed: 1 variant allele.
Comment: ALK: BS1, BS2

Sema4
Classification: Likely benign for Hereditary cancer-predisposing syndrome. Last evaluated: 2021-09-13. Review status: criteria provided, single submitter. Criteria: Sema4 Curation Guidelines. Collection method: curation. Allele origin: germline.

PreventionGenetics, part of Exact Sciences
Classification: Likely benign for ALK-related condition. Last evaluated: 2020-01-23. Review status: no assertion criteria provided. Collection method: clinical testing. Allele origin: germline. Not counted in ClinVar's aggregate classification.
Comment: This variant is classified as likely benign based on ACMG/AMP sequence variant interpretation guidelines (Richards et al. 2015 PMID: 25741868, with internal and published modifications).

ITMI
No classification provided. Condition: AllHighlyPenetrant. Last evaluated: 2013-09-19. Review status: no classification provided. Collection method: reference population. Allele origin: germline. Not counted in ClinVar's aggregate classification.
Comment: Please see associated publication for description of ethnicities

Literature cited by the submitters: PubMed 24728327 (cited by ITMI).

NM_004304.5(ALK):c.3080C>T (p.Pro1027Leu)

Gene: ALK (ALK receptor tyrosine kinase; minus strand). Cytogenetic location: 2p23.2.
Variant type: single nucleotide variant.
Coding change: c.3080C>T on transcript NM_004304.5 (MANE Select); coding-DNA position 3080, C replaced by T.
Protein change: p.Pro1027Leu; replaces proline 1027 with leucine.
Molecular consequence: missense variant.
Genome position (GRCh38, 1-based): chr2:29,225,553, G>A on the plus strand (C>T on the coding strand, the complement: ALK is on the minus strand). VCF-style: chr2-29225553-G-A. GRCh37 (hg19) VCF-style: chr2-29448419-G-A.
Other names: short protein forms P1027L.
Identifiers: ClinVar variation 133467 (VCV000133467.44), dbSNP rs140733978, ClinGen allele CA156617.